The following is an entry in ClinVar:

NM_201550.4(LRRC10):c.647T>G (p.Leu216Arg)

Gene: LRRC10 (leucine rich repeat containing 10; minus strand). Cytogenetic location: 12q15.
Variant type: single nucleotide variant.
Coding change: c.647T>G on transcript NM_201550.4 (MANE Select); coding-DNA position 647, T replaced by G.
Protein change: p.Leu216Arg; replaces leucine 216 with arginine.
Molecular consequence: missense variant.
Genome position (GRCh38, 1-based): chr12:69,610,192, A>C on the plus strand (T>G on the coding strand, the complement: LRRC10 is on the minus strand). VCF-style: chr12-69610192-A-C. GRCh37 (hg19) VCF-style: chr12-70003972-A-C.
Other names: short protein forms L216R.
Identifiers: ClinVar variation 544366 (VCV000544366.8), dbSNP rs1555198944, ClinGen allele CA385735743.
Genomic context (GRCh38, chr12:69,610,192, plus strand): 5'-CGGCGCACACCTTTGGCCACCTTGGGTGCGTTCCTGCAAGGATTGTGGTCATAGATGACC[A>C]GCTTCAGACTTGACAGGTGCGCCAGGCTGGGGAAGTAACGGATGCTGTTCCAGTCCACAT-3'
Protein context (NP_963844.2, residues 206-226): PSLAHLSSLK[Leu216Arg]VIYDHNPCRN

ClinVar aggregate classification (germline): Uncertain significance (1 of 4 stars; one submission).

Allele frequency attached by ClinVar (database versions not stated): gnomAD exomes below 0.00001.

Submission:

Labcorp Genetics (formerly Invitae), Labcorp
Classification: Uncertain significance. Last evaluated: 2018-02-08. Review status: criteria provided, single submitter. Criteria: Invitae Variant Classification Sherloc (09022015). Collection method: clinical testing. Allele origin: germline.
Comment: Algorithms developed to predict the effect of missense changes on protein structure and function do not agree on the potential impact of this missense change (SIFT: "Deleterious"; PolyPhen-2: "Probably Damaging"; Align-GVGD: "Class C0"). This variant has not been reported in the literature in individuals with LRRC10-related disease. This variant is not present in population databases (ExAC no frequency). This sequence change replaces leucine with arginine at codon 216 of the LRRC10 protein (p.Leu216Arg). The leucine residue is highly conserved and there is a moderate physicochemical difference between leucine and arginine. In summary, the available evidence is currently insufficient to determine the role of this variant in disease. Therefore, it has been classified as a Variant of Uncertain Significance.